The following is an entry in ClinVar:

NM_000823.4(GHRHR):c.*147A>C

Gene: GHRHR (growth hormone releasing hormone receptor; plus strand). Cytogenetic location: 7p14.3.
Variant type: single nucleotide variant.
Coding change: c.*147A>C on transcript NM_000823.4 (MANE Select); 147 bases downstream of the stop codon, A replaced by C.
Molecular consequence: 3 prime UTR variant.
Genome position (GRCh38, 1-based): chr7:30,979,391, A>C. VCF-style: chr7-30979391-A-C. GRCh37 (hg19) VCF-style: chr7-31019006-A-C.
Identifiers: ClinVar variation 360039 (VCV000360039.6), dbSNP rs2586, ClinGen allele CA10626006.
Genomic context (GRCh38, chr7:30,979,391, plus strand): 5'-ATCCCCACCCCAGCTGTTACCCAGCCCGGGGCAGGTGCAGCCCTTCCTCCCTGTCTCTGC[A>C]TCTGACTCTCTTTTGAGGTCCCTGTATGTCTACCTCTGACTTCTGTGGTCCCTCTGTGTC-3'

ClinVar aggregate classification (germline): Likely benign. Review status: criteria provided, multiple submitters, no conflicts (2 of 4 stars). 2 submissions from 2 submitters: Likely benign (2). Last evaluated 2018-01-12.

Conditions:
Isolated growth hormone deficiency type IB (IGHD1B). Also called: IGHD IB; IGHD 1B. Identifiers: Orphanet 231671, Orphanet 631, MedGen C2748571, MONDO:0013006, OMIM 612781.

Allele frequency attached by ClinVar (database versions not stated): gnomAD 0.03935 and 0.04030; TOPMed 0.04081; 1000 Genomes Project 0.04153; 1000 Genomes Project 30x 0.04294.
gnomAD v4.1: 25,472 of 740,490 alleles (3.4%); highest among the groups gnomAD compares: Middle Eastern, 8.5%; 611 homozygotes.

Submissions (2):

Illumina Laboratory Services, Illumina
Classification: Likely benign for Isolated growth hormone deficiency type IB. Last evaluated: 2018-01-12. Review status: criteria provided, single submitter. Criteria: ICSL Variant Classification Criteria 13 December 2019. Collection method: clinical testing. Allele origin: germline.
Comment: This variant was observed in the ICSL laboratory as part of a predisposition screen in an ostensibly healthy population. It had not been previously curated by ICSL or reported in the Human Gene Mutation Database (HGMD: prior to June 1st, 2018), and was therefore a candidate for classification through an automated scoring system. Utilizing variant allele frequency, disease prevalence and penetrance estimates, and inheritance mode, an automated score was calculated to assess if this variant is too frequent to cause the disease. Based on the score and internal cut-off values, a variant classified as likely benign is not then subjected to further curation. The score for this variant resulted in a classification of likely benign for this disease.

Breakthrough Genomics
Classification: Likely benign. Review status: criteria provided, single submitter. Criteria: ACMG Guidelines, 2015. Collection method: not provided. Allele origin: germline. Inheritance: Autosomal recessive inheritance. Affected: yes.